The following is an entry in ClinVar:

NC_000003.12:g.169764843G>A

Genes: TERC (telomerase RNA component; minus strand), LOC110806306 (telomerase RNA component (TERC) promoter; plus strand). Cytogenetic location: 3q26.2.
Variant type: single nucleotide variant.
Genome position: GRCh38 VCF-style: chr3-169764843-G-A. GRCh37 (hg19) VCF-style: chr3-169482631-G-A.
Identifiers: ClinVar variation 2733230 (VCV002733230.3), dbSNP rs2108183093, ClinGen allele CA436715377.

ClinVar aggregate classification (germline): Uncertain significance (1 of 4 stars; one submission).

Conditions:
Dyskeratosis congenita, autosomal dominant 1 (DKCA1). Also called: Dyskeratosis congenita Scoggins type. Identifiers: Orphanet 1775, MedGen C4551974, MONDO:0007485, OMIM 127550. Inheritance: Variable.

Submission:

Labcorp Genetics (formerly Invitae), Labcorp
Classification: Uncertain significance for Dyskeratosis congenita, autosomal dominant 1. Last evaluated: 2023-09-20. Review status: criteria provided, single submitter. Criteria: Invitae Variant Classification Sherloc (09022015). Collection method: clinical testing. Allele origin: germline.
Comment: This variant is located within the BoxH/ACA scaRNA domain of the TERC RNA component, which is required for telomerase activity (PMID: 21844345). In summary, the available evidence is currently insufficient to determine the role of this variant in disease. Therefore, it has been classified as a Variant of Uncertain Significance. Algorithms developed to predict the effect of sequence changes on RNA splicing suggest that this variant may create or strengthen a splice site. This variant has not been reported in the literature in individuals affected with TERC-related conditions. This variant is not present in population databases (gnomAD no frequency). This variant occurs in the TERC gene, which encodes an RNA molecule that does not result in a protein product.

Literature cited by the submitters: PubMed 21844345.